The following is an entry in ClinVar:

ClinVar aggregate classification (germline): Uncertain significance (1 of 4 stars; one submission).

Conditions:
Spastic paraplegia. Identifiers: MedGen C0037772, HP:0001258.

Allele frequency attached by ClinVar (database versions not stated): ExAC 0.00002; gnomAD exomes below 0.00001.
gnomAD v4.1: 2 of 1,613,480 alleles (0.00012%); highest among the groups gnomAD compares: South Asian, 0.0022%; no homozygotes.

Submission:

Labcorp Genetics (formerly Invitae), Labcorp
Classification: Uncertain significance for Spastic paraplegia. Last evaluated: 2022-07-27. Review status: criteria provided, single submitter. Criteria: Invitae Variant Classification Sherloc (09022015). Collection method: clinical testing. Allele origin: germline.
Comment: This variant is present in population databases (rs777488679, gnomAD 0.006%). This sequence change replaces valine, which is neutral and non-polar, with glutamic acid, which is acidic and polar, at codon 116 of the FA2H protein (p.Val116Glu). This variant has not been reported in the literature in individuals affected with FA2H-related conditions. In summary, the available evidence is currently insufficient to determine the role of this variant in disease. Therefore, it has been classified as a Variant of Uncertain Significance. Advanced modeling of protein sequence and biophysical properties (such as structural, functional, and spatial information, amino acid conservation, physicochemical variation, residue mobility, and thermodynamic stability) performed at Invitae indicates that this missense variant is not expected to disrupt FA2H protein function.

NM_024306.5(FA2H):c.347T>A (p.Val116Glu)

Gene: FA2H (fatty acid 2-hydroxylase; minus strand). Cytogenetic location: 16q23.1.
Variant type: single nucleotide variant.
Coding change: c.347T>A on transcript NM_024306.5 (MANE Select); coding-DNA position 347, T replaced by A.
Protein change: p.Val116Glu; replaces valine 116 with glutamic acid.
Molecular consequence: missense variant.
Genome position (GRCh38, 1-based): chr16:74,740,039, A>T on the plus strand (T>A on the coding strand, the complement: FA2H is on the minus strand). VCF-style: chr16-74740039-A-T. GRCh37 (hg19) VCF-style: chr16-74773937-A-T.
Other names: short protein forms V116E.
Identifiers: ClinVar variation 1713977 (VCV001713977.5), dbSNP rs777488679, ClinGen allele CA8170579.